The following is an entry in ClinVar:

NM_005045.4(RELN):c.9261C>G (p.Gly3087=)

Genes: RELN (reelin; minus strand), SLC26A5-AS1 (SLC26A5 antisense RNA 1; plus strand). Cytogenetic location: 7q22.1.
Variant type: single nucleotide variant.
Coding change: c.9261C>G on transcript NM_005045.4 (MANE Select); coding-DNA position 9261, C replaced by G.
Protein change: p.Gly3087=; no amino-acid change (glycine 3087 retained).
Molecular consequence: synonymous variant.
Genome position (GRCh38, 1-based): chr7:103,495,831, G>C on the plus strand (C>G on the coding strand, the complement: RELN is on the minus strand). VCF-style: chr7-103495831-G-C. GRCh37 (hg19) VCF-style: chr7-103136278-G-C.
Other names: c.9261C>G, p.Gly3087= (NM_173054.3).
Identifiers: ClinVar variation 3057808 (VCV003057808.2), dbSNP rs2485740039, ClinGen allele CA457024004.

ClinVar aggregate classification (germline): Likely benign (0 of 4 stars; one submission).

Conditions:
RELN-related disorder. Also called: RELN-related condition.

gnomAD v4.1: 3 of 1,613,968 alleles (0.00019%); highest among the groups gnomAD compares: Middle Eastern, 0.033%; no homozygotes.

Submission:

PreventionGenetics, part of Exact Sciences
Classification: Likely benign for RELN-related condition. Last evaluated: 2020-04-02. Review status: no assertion criteria provided. Collection method: clinical testing. Allele origin: germline.
Comment: This variant is classified as likely benign based on ACMG/AMP sequence variant interpretation guidelines (Richards et al. 2015 PMID: 25741868, with internal and published modifications).